The following is an entry in ClinVar:

ClinVar aggregate classification (germline): Uncertain significance. Review status: criteria provided, multiple submitters, no conflicts (2 of 4 stars). 2 submissions from 2 submitters: Uncertain significance (2). Last evaluated 2026-02-01.

Conditions:
Immunodeficiency. Identifiers: MedGen C0021051, MONDO:0021094, HP:0002721.

Allele frequency attached by ClinVar (database versions not stated): gnomAD exomes 0.00007; ESP Exome Variant Server 0.00008; ExAC 0.00010; gnomAD 0.00021 and 0.00023; TOPMed 0.00044; 1000 Genomes Project 0.00060; 1000 Genomes Project 30x 0.00078.
gnomAD v4.1: 169 of 1,614,200 alleles (0.01%); highest among the groups gnomAD compares: Admixed American, 0.062%; no homozygotes.

Submissions (2):

Labcorp Genetics (formerly Invitae), Labcorp
Classification: Uncertain significance for Immunodeficiency. Last evaluated: 2026-02-01. Review status: criteria provided, single submitter. Criteria: Invitae Variant Classification Sherloc (09022015). Collection method: clinical testing. Allele origin: germline.
Comment: This sequence change replaces glutamine, which is neutral and polar, with leucine, which is neutral and non-polar, at codon 641 of the NFAT5 protein (p.Gln641Leu). This variant is present in population databases (rs189877263, gnomAD 0.02%). This variant has not been reported in the literature in individuals affected with NFAT5-related conditions. ClinVar contains an entry for this variant (Variation ID: 663816). An algorithm developed to predict the effect of missense changes on protein structure and function (PolyPhen-2) suggests that this variant is likely to be disruptive. In summary, the available evidence is currently insufficient to determine the role of this variant in disease. Therefore, it has been classified as a Variant of Uncertain Significance.

Breakthrough Genomics
Classification: Uncertain significance. Review status: criteria provided, single submitter. Criteria: ACMG Guidelines, 2015. Collection method: not provided. Allele origin: germline. Inheritance: Unknown mechanism. Affected: yes.

NM_138713.4(NFAT5):c.2204A>T (p.Gln735Leu)

Gene: NFAT5 (nuclear factor of activated T cells 5; plus strand). Cytogenetic location: 16q22.1.
Variant type: single nucleotide variant.
Coding change: c.2204A>T on transcript NM_138713.4 (MANE Select); coding-DNA position 2204, A replaced by T.
Protein change: p.Gln735Leu; replaces glutamine 735 with leucine.
Molecular consequence: missense variant.
Genome position (GRCh38, 1-based): chr16:69,692,029, A>T. VCF-style: chr16-69692029-A-T. GRCh37 (hg19) VCF-style: chr16-69725932-A-T.
Other names: c.2204A>T, p.Gln735Leu (LRG_1332t1); c.2201A>T, p.Gln734Leu (NM_001113178.3); c.1529A>T, p.Gln510Leu (NM_001367709.1); c.2150A>T, p.Gln717Leu (NM_006599.4); c.1922A>T, p.Gln641Leu (NM_138714.4, NM_173214.3, NM_173215.3); short protein forms Q641L, Q735L, Q510L, Q717L, Q734L.
Identifiers: ClinVar variation 663816 (VCV000663816.12), dbSNP rs189877263, ClinGen allele CA8135733.
Genomic context (GRCh38, chr16:69,692,029, plus strand): 5'-AGCTGCCCAACAGCGATGCACTATTGCAGCAGGCTACACAGTTTCAGACAAGAGAAACTC[A>T]GTCTAGAGAGATATTACAGTCAGATGGTACAGTGGTTAATTTGTCACAACTGACTGAGGC-3'
Protein context (NP_619727.2, residues 725-745): QATQFQTRET[Gln735Leu]SREILQSDGT